The following is an entry in ClinVar:

ClinVar aggregate classification (germline): Likely benign. Review status: criteria provided, multiple submitters, no conflicts (2 of 4 stars). 2 submissions from 2 submitters: Likely benign (2). Last evaluated 2024-08-06.

Conditions:
Emery-Dreifuss muscular dystrophy 5, autosomal dominant (EDMD5). Also called: EMERY-DREIFUSS MUSCULAR DYSTROPHY 5. Identifiers: Orphanet 261, MedGen C2751805, MONDO:0013072, OMIM 612999.

Allele frequency attached by ClinVar (database versions not stated): gnomAD exomes 0.00002; ExAC 0.00003; TOPMed 0.00003; gnomAD 0.00005 and 0.00006.
gnomAD v4.1: 37 of 1,613,956 alleles (0.0023%); highest among the groups gnomAD compares: Non-Finnish European, 0.0012%; no homozygotes.

Submissions (2):

Labcorp Genetics (formerly Invitae), Labcorp
Classification: Likely benign for Emery-Dreifuss muscular dystrophy 5, autosomal dominant. Last evaluated: 2024-08-06. Review status: criteria provided, single submitter. Criteria: Invitae Variant Classification Sherloc (09022015). Collection method: clinical testing. Allele origin: germline.

CeGaT Center for Human Genetics Tuebingen
Classification: Likely benign. Last evaluated: 2023-03-01. Review status: criteria provided, single submitter. Criteria: CeGaT Center For Human Genetics Tuebingen Variant Classification Criteria Version 2. Collection method: clinical testing. Allele origin: germline. Affected: yes. Observed: 1 variant allele.
Comment: SYNE2: BP4

NM_182914.3(SYNE2):c.80-7T>G

Gene: SYNE2 (spectrin repeat containing nuclear envelope protein 2; plus strand). Cytogenetic location: 14q23.2.
Variant type: single nucleotide variant.
Coding change: c.80-7T>G on transcript NM_182914.3 (MANE Select); 7 bases into the intron before coding-DNA position 80, T replaced by G.
Molecular consequence: intron variant.
Genome position (GRCh38, 1-based): chr14:63,940,607, T>G. VCF-style: chr14-63940607-T-G. GRCh37 (hg19) VCF-style: chr14-64407325-T-G.
Other names: c.80-7T>G (NM_015180.6).
Identifiers: ClinVar variation 1098968 (VCV001098968.32), dbSNP rs769250456, ClinGen allele CA7218997.